The following is an entry in ClinVar:

NM_006531.5(IFT88):c.2062G>A (p.Val688Ile)

Gene: IFT88 (intraflagellar transport 88; plus strand). Cytogenetic location: 13q12.11.
Variant type: single nucleotide variant.
Coding change: c.2062G>A on transcript NM_006531.5 (MANE Select); coding-DNA position 2062, G replaced by A.
Protein change: p.Val688Ile; replaces valine 688 with isoleucine.
Molecular consequence: missense variant. On other transcripts: non-coding transcript variant (5).
Genome position (GRCh38, 1-based): chr13:20,656,424, G>A. VCF-style: chr13-20656424-G-A. GRCh37 (hg19) VCF-style: chr13-21230563-G-A.
Other names: c.2005G>A, p.Val669Ile (NM_001318491.2, NM_001353575.2); c.2089G>A, p.Val697Ile (NM_001318493.2, NM_001353565.2, NM_001353566.2 and 2 more transcripts); c.2062G>A, p.Val688Ile (NM_001353568.2, NM_001353572.2); c.1987G>A, p.Val663Ile (NM_001353569.2, NM_001353570.2, NM_001353576.2 and 1 more transcripts); c.1960G>A, p.Val654Ile (NM_001353571.2, NM_001353578.2); c.1918G>A, p.Val640Ile (NM_001353573.2); c.1903G>A, p.Val635Ile (NM_001353574.2); c.1429G>A, p.Val477Ile (NM_001353579.2); short protein forms V640I, V654I, V663I, V669I, V697I, V477I, V688I, V635I.
Identifiers: ClinVar variation 4700967 (VCV004700967.1).

ClinVar aggregate classification (germline): Uncertain significance (1 of 4 stars; one submission).

gnomAD v4.1: 8 of 1,490,932 alleles (0.00054%); highest among the groups gnomAD compares: African/African-American, 0.0084%; no homozygotes.

Submission:

Labcorp Genetics (formerly Invitae), Labcorp
Classification: Uncertain significance. Last evaluated: 2025-12-29. Review status: criteria provided, single submitter. Criteria: Invitae Variant Classification Sherloc (09022015). Collection method: clinical testing. Allele origin: germline.
Comment: This sequence change replaces valine, which is neutral and non-polar, with isoleucine, which is neutral and non-polar, at codon 697 of the IFT88 protein (p.Val697Ile). The frequency data for this variant in the population databases is considered unreliable, as metrics indicate poor data quality at this position in the gnomAD database. This variant has not been reported in the literature in individuals affected with IFT88-related conditions. An algorithm developed to predict the effect of missense changes on protein structure and function (PolyPhen-2) suggests that this variant is likely to be tolerated. In summary, the available evidence is currently insufficient to determine the role of this variant in disease. Therefore, it has been classified as a Variant of Uncertain Significance.